The following is an entry in ClinVar:

ClinVar aggregate classification (germline): Uncertain significance (1 of 4 stars; one submission).

Conditions:
EP300-related disorder. Also called: EP300-related condition; EP300-related disorders.

Submission:

PreventionGenetics, part of Exact Sciences
Classification: Uncertain significance for EP300-related condition. Last evaluated: 2024-12-06. Review status: criteria provided, single submitter. Criteria: ACMG Guidelines, 2015. Collection method: clinical testing. Allele origin: germline.
Comment: The EP300 c.6622C>G variant is predicted to result in the amino acid substitution p.His2208Asp. To our knowledge, this variant has not been reported in the literature or in a large population database (gnomAD), indicating this variant is rare. At this time, the clinical significance of this variant is uncertain due to the absence of conclusive functional and genetic evidence.

NM_001429.4(EP300):c.6622C>G (p.His2208Asp)

Gene: EP300 (EP300 lysine acetyltransferase; plus strand). Cytogenetic location: 22q13.2.
Variant type: single nucleotide variant.
Coding change: c.6622C>G on transcript NM_001429.4 (MANE Select); coding-DNA position 6622, C replaced by G.
Protein change: p.His2208Asp; replaces histidine 2208 with aspartic acid.
Molecular consequence: missense variant.
Genome position (GRCh38, 1-based): chr22:41,178,333, C>G. VCF-style: chr22-41178333-C-G. GRCh37 (hg19) VCF-style: chr22-41574337-C-G.
Other names: c.6544C>G, p.His2182Asp (NM_001362843.2); short protein forms H2182D, H2208D.
Identifiers: ClinVar variation 4996772 (VCV004996772.1).